The following is an entry in ClinVar:

NM_006231.4(POLE):c.2909G>A (p.Gly970Asp)

Gene: POLE (DNA polymerase epsilon, catalytic subunit; minus strand). Cytogenetic location: 12q24.33.
Variant type: single nucleotide variant.
Coding change: c.2909G>A on transcript NM_006231.4 (MANE Select); coding-DNA position 2909, G replaced by A.
Protein change: p.Gly970Asp; replaces glycine 970 with aspartic acid.
Molecular consequence: missense variant.
Genome position (GRCh38, 1-based): chr12:132,661,120, C>T on the plus strand (G>A on the coding strand, the complement: POLE is on the minus strand). VCF-style: chr12-132661120-C-T. GRCh37 (hg19) VCF-style: chr12-133237706-C-T.
Other names: short protein forms G970D.
Identifiers: ClinVar variation 1006573 (VCV001006573.8), dbSNP rs2042670867, ClinGen allele CA387392742.

ClinVar aggregate classification (germline): Uncertain significance (1 of 4 stars; one submission).

Submission:

Labcorp Genetics (formerly Invitae), Labcorp
Classification: Uncertain significance. Last evaluated: 2020-08-14. Review status: criteria provided, single submitter. Criteria: Invitae Variant Classification Sherloc (09022015). Collection method: clinical testing. Allele origin: germline.
Comment: This sequence change replaces glycine with aspartic acid at codon 970 of the POLE protein (p.Gly970Asp). The glycine residue is highly conserved and there is a moderate physicochemical difference between glycine and aspartic acid. This variant is not present in population databases (ExAC no frequency). This variant has not been reported in the literature in individuals with POLE-related conditions. Algorithms developed to predict the effect of missense changes on protein structure and function (SIFT, PolyPhen-2, Align-GVGD) all suggest that this variant is likely to be disruptive, but these predictions have not been confirmed by published functional studies and their clinical significance is uncertain. In summary, the available evidence is currently insufficient to determine the role of this variant in disease. Therefore, it has been classified as a Variant of Uncertain Significance.